The following is an entry in ClinVar:

ClinVar aggregate classification (germline): Conflicting classifications of pathogenicity. Review status: criteria provided, conflicting classifications (1 of 4 stars). 3 submissions from 3 submitters: Uncertain significance (2); Likely benign (1). Last evaluated 2025-05-08.

Conditions:
Hereditary breast ovarian cancer syndrome. Also called: Hereditary breast and ovarian cancer; Hereditary breast and/or ovarian cancer syndrome; BRCA1- and BRCA2-Associated Hereditary Breast and Ovarian Cancer; Hereditary breast and ovarian cancer syndrome; Hereditary breast and ovarian cancer syndrome (HBOC); Breast and ovarian cancer. Identifiers: Orphanet 145, MedGen C0677776, MeSH D061325, MONDO:0003582. Disease mechanism: loss of function.
Hereditary cancer-predisposing syndrome. Also called: Tumor predisposition; Hereditary Cancer Syndrome; Hereditary neoplastic syndrome; Neoplastic Syndromes, Hereditary. Identifiers: Orphanet 140162, MedGen C0027672, MeSH D009386, MONDO:0015356.

Submissions (3):

Ambry Genetics
Classification: Likely benign for Hereditary cancer-predisposing syndrome. Last evaluated: 2025-05-08. Review status: criteria provided, single submitter. Criteria: Ambry Variant Classification Scheme 2023. Collection method: clinical testing. Allele origin: germline.

Labcorp Genetics (formerly Invitae), Labcorp
Classification: Uncertain significance for Hereditary breast ovarian cancer syndrome. Last evaluated: 2024-01-10. Review status: criteria provided, single submitter. Criteria: Invitae Variant Classification Sherloc (09022015). Collection method: clinical testing. Allele origin: germline.
Comment: This sequence change replaces threonine, which is neutral and polar, with alanine, which is neutral and non-polar, at codon 2783 of the BRCA2 protein (p.Thr2783Ala). This variant is not present in population databases (gnomAD no frequency). This variant has not been reported in the literature in individuals affected with BRCA2-related conditions. ClinVar contains an entry for this variant (Variation ID: 409552). Advanced modeling of protein sequence and biophysical properties (such as structural, functional, and spatial information, amino acid conservation, physicochemical variation, residue mobility, and thermodynamic stability) performed at Invitae indicates that this missense variant is not expected to disrupt BRCA2 protein function with a negative predictive value of 95%. In summary, the available evidence is currently insufficient to determine the role of this variant in disease. Therefore, it has been classified as a Variant of Uncertain Significance.

Color Diagnostics, LLC DBA Color Health
Classification: Uncertain significance for Hereditary cancer-predisposing syndrome. Last evaluated: 2019-06-13. Review status: criteria provided, single submitter. Criteria: ACMG Guidelines, 2015. Collection method: clinical testing. Allele origin: germline.

NM_000059.4(BRCA2):c.8347A>G (p.Thr2783Ala)

Gene: BRCA2 (BRCA2 DNA repair associated; plus strand). Cytogenetic location: 13q13.1.
Variant type: single nucleotide variant.
Coding change: c.8347A>G on transcript NM_000059.4 (MANE Select); coding-DNA position 8347, A replaced by G.
Protein change: p.Thr2783Ala; replaces threonine 2783 with alanine.
Molecular consequence: missense variant.
Genome position (GRCh38, 1-based): chr13:32,370,417, A>G. VCF-style: chr13-32370417-A-G. GRCh37 (hg19) VCF-style: chr13-32944554-A-G.
Other names: short protein forms T2783A.
Identifiers: ClinVar variation 409552 (VCV000409552.15), dbSNP rs1060502463, ClinGen allele CA16613958.